The following is an entry in ClinVar:

ClinVar aggregate classification (germline): Benign/Likely benign. Review status: criteria provided, multiple submitters, no conflicts (2 of 4 stars). 5 submissions from 5 submitters: Benign (1); Likely benign (4). Last evaluated 2025-11-01.

Conditions:
Familial cancer of breast. Also called: BREAST CANCER, FAMILIAL; Hereditary breast cancer; hereditary breast carcinoma. Identifiers: Orphanet 227535, MedGen C0346153, MONDO:0016419, OMIM 114480. Disease mechanism: loss of function.
Fanconi anemia complementation group J. Also called: BRIP1-Related Fanconi Anemia. Identifiers: Orphanet 84, MedGen C1836860, MONDO:0012187, OMIM 609054.
Hereditary cancer-predisposing syndrome. Also called: Neoplastic Syndromes, Hereditary; Tumor predisposition; Hereditary neoplastic syndrome; Hereditary Cancer Syndrome. Identifiers: Orphanet 140162, MedGen C0027672, MeSH D009386, MONDO:0015356.

Allele frequency attached by ClinVar (database versions not stated): gnomAD exomes below 0.00001.
gnomAD v4.1: 2 of 1,610,318 alleles (0.00012%); highest among the groups gnomAD compares: Admixed American, 0.0017%; no homozygotes.

Submissions (5):

Labcorp Genetics (formerly Invitae), Labcorp
Classification: Likely benign for Familial cancer of breast; Fanconi anemia complementation group J. Last evaluated: 2025-11-01. Review status: criteria provided, single submitter. Criteria: Invitae Variant Classification Sherloc (09022015). Collection method: clinical testing. Allele origin: germline.

Myriad Genetics, Inc.
Classification: Benign for Familial cancer of breast. Last evaluated: 2024-08-29. Review status: criteria provided, single submitter. Criteria: Myriad Autosomal Dominant, Autosomal Recessive and X-Linked Classification Criteria (2023). Collection method: clinical testing. Allele origin: unknown.
Comment: This variant is considered benign. This variant is a silent/synonymous amino acid change and it is not expected to impact splicing.

GeneDx
Classification: Likely benign. Last evaluated: 2018-10-23. Review status: criteria provided, single submitter. Criteria: GeneDx Variant Classification Process June 2021. Collection method: clinical testing. Allele origin: germline. Affected: yes.

Color Diagnostics, LLC DBA Color Health
Classification: Likely benign for Hereditary cancer-predisposing syndrome. Last evaluated: 2018-07-02. Review status: criteria provided, single submitter. Criteria: ACMG Guidelines, 2015. Collection method: clinical testing. Allele origin: germline.

Ambry Genetics
Classification: Likely benign for Hereditary cancer-predisposing syndrome. Last evaluated: 2015-10-16. Review status: criteria provided, single submitter. Criteria: Ambry Variant Classification Scheme 2023. Collection method: clinical testing. Allele origin: germline.

NM_032043.3(BRIP1):c.1806T>C (p.Asp602=)

Gene: BRIP1 (BRCA1 interacting DNA helicase 1; minus strand). Cytogenetic location: 17q23.2.
Variant type: single nucleotide variant.
Coding change: c.1806T>C on transcript NM_032043.3 (MANE Select); coding-DNA position 1806, T replaced by C.
Protein change: p.Asp602=; no amino-acid change (aspartic acid 602 retained).
Molecular consequence: synonymous variant.
Genome position (GRCh38, 1-based): chr17:61,780,390, A>G on the plus strand (T>C on the coding strand, the complement: BRIP1 is on the minus strand). VCF-style: chr17-61780390-A-G. GRCh37 (hg19) VCF-style: chr17-59857751-A-G.
Identifiers: ClinVar variation 241632 (VCV000241632.21), dbSNP rs878855142, ClinGen allele CA10583629.